The following is an entry in ClinVar:

ClinVar aggregate classification (germline): Benign. Review status: criteria provided, multiple submitters, no conflicts (2 of 4 stars). 4 submissions from 4 submitters: Benign (4). Last evaluated 2024-07-31.

Conditions:
Dyskinesia with orofacial involvement, autosomal dominant (DSKOD). Also called: Familial dyskinesia and facial myokymia; Familial Dyskinesia with Facial Myokymia (FDFM); Dyskinesia, familial, with facial myokymia. Identifiers: Orphanet 324588, MedGen C1847627, MONDO:0800028, OMIM 606703.

Allele frequency attached by ClinVar (database versions not stated): 1000 Genomes Project 30x 0.98267; 1000 Genomes Project 0.98403; TOPMed 0.98509; ESP Exome Variant Server 0.98585.
gnomAD v4.1: 1,601,877 of 1,605,914 alleles (100%); highest among the groups gnomAD compares: East Asian, 100%; 799,014 homozygotes.

Submissions (4):

Unidad de Genómica Garrahan, Hospital de Pediatría Garrahan
Classification: Benign. Last evaluated: 2024-07-31. Review status: criteria provided, single submitter. Criteria: ACMG Guidelines, 2015. Collection method: clinical testing. Allele origin: germline. Affected: no. Observed: 93 variant alleles.
Comment: This variant is classified as Benign based on local population frequency. This variant was detected in 100% of patients studied in a panel designed for Epileptic and Developmental Encephalopathy, Progressive Myoclonus Epilepsy and Abnormal Movements and Neurodegeneration with brain iron accumulation. Number of patients: 93. Only high quality variants are reported.

Genome-Nilou Lab
Classification: Benign for Dyskinesia with orofacial involvement, autosomal dominant. Last evaluated: 2021-07-14. Review status: criteria provided, single submitter. Criteria: ACMG Guidelines, 2015. Collection method: clinical testing. Allele origin: germline. Affected: no.

GeneDx
Classification: Benign. Last evaluated: 2018-07-05. Review status: criteria provided, single submitter. Criteria: GeneDx Variant Classification Process June 2021. Collection method: clinical testing. Allele origin: germline. Affected: yes.

Breakthrough Genomics
Classification: Benign. Review status: criteria provided, single submitter. Criteria: ACMG Guidelines, 2015. Collection method: not provided. Allele origin: germline. Inheritance: Autosomal recessive inheritance. Affected: yes.

NM_183357.3(ADCY5):c.2931-31C>G

Gene: ADCY5 (adenylate cyclase 5; minus strand). Cytogenetic location: 3q21.1.
Variant type: single nucleotide variant.
Coding change: c.2931-31C>G on transcript NM_183357.3 (MANE Select); 31 bases into the intron before coding-DNA position 2931, C replaced by G.
Molecular consequence: intron variant.
Genome position (GRCh38, 1-based): chr3:123,296,247, G>C on the plus strand (C>G on the coding strand, the complement: ADCY5 is on the minus strand). VCF-style: chr3-123296247-G-C. GRCh37 (hg19) VCF-style: chr3-123015094-G-C.
Other names: c.3006-31C>G (NM_001378259.1); c.1881-31C>G (NM_001199642.1).
Identifiers: ClinVar variation 1188958 (VCV001188958.7), dbSNP rs9882534, ClinGen allele CA2576900.
Genomic context (GRCh38, chr3:123,296,247, plus strand): 5'-TTCAATGCCACCTTGGTTGCATGCTCAGGGCTGTGGGGAGGTGGTGGACAGGCCTGAGAC[G>C]GCCGTGGCTCCTCACAGCGGGCTCTGAGGACCCCACCCCCACCCACTGCTGGCCCTGTTT-3'